The following is an entry in ClinVar:

ClinVar aggregate classification (germline): Benign/Likely benign. Review status: criteria provided, multiple submitters, no conflicts (2 of 4 stars). 3 submissions from 3 submitters: Benign (1); Likely benign (2). Last evaluated 2024-07-17.

Conditions:
Hereditary cancer-predisposing syndrome. Also called: Neoplastic Syndromes, Hereditary; Tumor predisposition; Hereditary Cancer Syndrome; Hereditary neoplastic syndrome. Identifiers: Orphanet 140162, MedGen C0027672, MeSH D009386, MONDO:0015356.
BAP1-related tumor predisposition syndrome (TPDS1). Also called: Tumor susceptibility linked to germline BAP1 mutations; BAP1 tumor predisposition syndrome; COMMON Syndrome; TUMOR PREDISPOSITION SYNDROME 1. Identifiers: Orphanet 289539, MedGen C3280492, MONDO:0013692, OMIM 614327.

Allele frequency attached by ClinVar (database versions not stated): gnomAD exomes 0.00001.
gnomAD v4.1: 3 of 1,614,152 alleles (0.00019%); highest among the groups gnomAD compares: Non-Finnish European, 0.00025%; no homozygotes.

Submissions (3):

Myriad Genetics, Inc.
Classification: Benign for BAP1-related tumor predisposition syndrome. Last evaluated: 2024-07-17. Review status: criteria provided, single submitter. Criteria: Myriad Autosomal Dominant, Autosomal Recessive and X-Linked Classification Criteria (2023). Collection method: clinical testing. Allele origin: unknown.
Comment: This variant is considered benign. This variant is a silent/synonymous amino acid change and it is not expected to impact splicing.

Labcorp Genetics (formerly Invitae), Labcorp
Classification: Likely benign for BAP1-related tumor predisposition syndrome. Last evaluated: 2022-03-02. Review status: criteria provided, single submitter. Criteria: Invitae Variant Classification Sherloc (09022015). Collection method: clinical testing. Allele origin: germline.

Ambry Genetics
Classification: Likely benign for Hereditary cancer-predisposing syndrome. Last evaluated: 2016-03-22. Review status: criteria provided, single submitter. Criteria: Ambry Variant Classification Scheme 2023. Collection method: clinical testing. Allele origin: germline.

NM_004656.4(BAP1):c.1818C>T (p.Ala606=)

Gene: BAP1 (BRCA1 associated deubiquitinase 1; minus strand). Cytogenetic location: 3p21.1.
Variant type: single nucleotide variant.
Coding change: c.1818C>T on transcript NM_004656.4 (MANE Select); coding-DNA position 1818, C replaced by T.
Protein change: p.Ala606=; no amino-acid change (alanine 606 retained).
Molecular consequence: synonymous variant.
Genome position (GRCh38, 1-based): chr3:52,403,210, G>A on the plus strand (C>T on the coding strand, the complement: BAP1 is on the minus strand). VCF-style: chr3-52403210-G-A. GRCh37 (hg19) VCF-style: chr3-52437226-G-A.
Other names: c.1818C>T (LRG_529t1).
Identifiers: ClinVar variation 485282 (VCV000485282.14), dbSNP rs1553644724, ClinGen allele CA433885922.